The following is an entry in ClinVar:

NM_005045.4(RELN):c.2002+6T>C

Gene: RELN (reelin; minus strand). Cytogenetic location: 7q22.1.
Variant type: single nucleotide variant.
Coding change: c.2002+6T>C on transcript NM_005045.4 (MANE Select); 6 bases into the intron after coding-DNA position 2002, T replaced by C.
Molecular consequence: intron variant.
Genome position (GRCh38, 1-based): chr7:103,650,268, A>G on the plus strand (T>C on the coding strand, the complement: RELN is on the minus strand). VCF-style: chr7-103650268-A-G. GRCh37 (hg19) VCF-style: chr7-103290715-A-G.
Other names: c.2002+6T>C (NM_173054.3).
Identifiers: ClinVar variation 4790152 (VCV004790152.1).

ClinVar aggregate classification (germline): Uncertain significance (1 of 4 stars; one submission).

Conditions:
Norman-Roberts syndrome (LIS2). Also called: Lissencephaly 2 (Norman-Roberts type). Identifiers: Orphanet 89844, MedGen C0796089, MONDO:0009760, OMIM 257320.
Familial temporal lobe epilepsy 7. Identifiers: Orphanet 101046, MedGen C4225327, MONDO:0014639, OMIM 616436.

Submission:

Labcorp Genetics (formerly Invitae), Labcorp
Classification: Uncertain significance for Familial temporal lobe epilepsy 7; Norman-Roberts syndrome. Last evaluated: 2025-12-17. Review status: criteria provided, single submitter. Criteria: Invitae Variant Classification Sherloc (09022015). Collection method: clinical testing. Allele origin: germline.
Comment: This sequence change falls in intron 16 of the RELN gene. It does not directly change the encoded amino acid sequence of the RELN protein. It affects a nucleotide within the consensus splice site. This variant is not present in population databases (gnomAD no frequency). This variant has not been reported in the literature in individuals affected with RELN-related conditions. Variants that disrupt the consensus splice site are a relatively common cause of aberrant splicing (PMID: 17576681, 9536098). Algorithms developed to predict the effect of sequence changes on RNA splicing suggest that this variant may disrupt the consensus splice site. In summary, the available evidence is currently insufficient to determine the role of this variant in disease. Therefore, it has been classified as a Variant of Uncertain Significance.

Literature cited by the submitters: PubMed 17576681; PubMed 9536098.